The following is an entry in ClinVar:

ClinVar aggregate classification (germline): Uncertain significance (1 of 4 stars; one submission).

Conditions:
Bardet-Biedl syndrome (BBS). Identifiers: Orphanet 110, MedGen C0752166, MONDO:0015229.

Submission:

Labcorp Genetics (formerly Invitae), Labcorp
Classification: Uncertain significance for Bardet-Biedl syndrome. Last evaluated: 2025-10-09. Review status: criteria provided, single submitter. Criteria: Invitae Variant Classification Sherloc (09022015). Collection method: clinical testing. Allele origin: germline.
Comment: This sequence change falls in intron 8 of the BBS5 gene. It does not directly change the encoded amino acid sequence of the BBS5 protein. It affects a nucleotide within the consensus splice site. This variant is not present in population databases (gnomAD no frequency). This variant has not been reported in the literature in individuals affected with BBS5-related conditions. Variants that disrupt the consensus splice site are a relatively common cause of aberrant splicing (PMID: 17576681, 9536098). Algorithms developed to predict the effect of sequence changes on RNA splicing suggest that this variant may disrupt the consensus splice site. In summary, the available evidence is currently insufficient to determine the role of this variant in disease. Therefore, it has been classified as a Variant of Uncertain Significance.

Literature cited by the submitters: PubMed 17576681; PubMed 9536098.

NM_152384.3(BBS5):c.681+5del

Gene: BBS5 (Bardet-Biedl syndrome 5; plus strand). Cytogenetic location: 2q31.1.
Variant type: Deletion.
Coding change: c.681+5del on transcript NM_152384.3 (MANE Select); 5 bases into the intron after coding-DNA position 681, one base deleted (G; older notation c.681+5delG).
Molecular consequence: intron variant.
Genome position (GRCh38, 1-based): chr2:169,497,694, G deleted. VCF-style (leftmost placement, unchanged base first): chr2-169497693-AG-A. GRCh37 (hg19) VCF-style: chr2-170354203-AG-A.
Identifiers: ClinVar variation 4767806 (VCV004767806.1).